The following is an entry in ClinVar:

ClinVar aggregate classification (germline): Uncertain significance (1 of 4 stars; one submission).

Conditions:
Cardiovascular phenotype. Identifiers: MedGen CN230736.

Submission:

Ambry Genetics
Classification: Uncertain significance for Cardiovascular phenotype. Last evaluated: 2024-10-08. Review status: criteria provided, single submitter. Criteria: Ambry Variant Classification Scheme 2023. Collection method: clinical testing. Allele origin: germline.
Comment: The p.S152L variant (also known as c.455C>T), located in coding exon 4 of the FKTN gene, results from a C to T substitution at nucleotide position 455. The serine at codon 152 is replaced by leucine, an amino acid with dissimilar properties. This amino acid position is conserved. In addition, this alteration is predicted to be tolerated by in silico analysis. Based on the available evidence, the clinical significance of this variant remains unclear.

NM_001079802.2(FKTN):c.455C>T (p.Ser152Leu)

Gene: FKTN (fukutin; plus strand). Cytogenetic location: 9q31.2.
Variant type: single nucleotide variant.
Coding change: c.455C>T on transcript NM_001079802.2 (MANE Select); coding-DNA position 455, C replaced by T.
Protein change: p.Ser152Leu; replaces serine 152 with leucine.
Molecular consequence: missense variant. On other transcripts: non-coding transcript variant (2).
Genome position (GRCh38, 1-based): chr9:105,604,300, C>T. VCF-style: chr9-105604300-C-T. GRCh37 (hg19) VCF-style: chr9-108366581-C-T.
Other names: c.455C>T, p.Ser152Leu (NM_001198963.2, NM_001351496.2, NM_001351498.2 and 1 more transcripts); c.386C>T, p.Ser129Leu (NM_001351497.2); c.59C>T, p.Ser20Leu (NM_001351499.2, NM_001351500.2, NM_001351501.2 and 1 more transcripts); short protein forms S129L, S20L, S152L.
Identifiers: ClinVar variation 3515589 (VCV003515589.1).